The following is an entry in ClinVar:

ClinVar aggregate classification (germline): Uncertain significance (1 of 4 stars; one submission).

Conditions:
Inborn genetic diseases. Identifiers: MedGen C0950123, MeSH D030342.

Submission:

Ambry Genetics
Classification: Uncertain significance for Inborn genetic diseases. Last evaluated: 2022-12-07. Review status: criteria provided, single submitter. Criteria: Ambry Variant Classification Scheme 2023. Collection method: clinical testing. Allele origin: germline.
Comment: The p.K1499Q variant (also known as c.4495A>C), located in coding exon 31 of the LRRK2 gene, results from an A to C substitution at nucleotide position 4495. The lysine at codon 1499 is replaced by glutamine, an amino acid with similar properties. This amino acid position is conserved. In addition, this alteration is predicted to be tolerated by in silico analysis. Since supporting evidence is limited at this time, the clinical significance of this alteration remains unclear.

NM_198578.4(LRRK2):c.4495A>C (p.Lys1499Gln)

Gene: LRRK2 (leucine rich repeat kinase 2; plus strand). Cytogenetic location: 12q12.
Variant type: single nucleotide variant.
Coding change: c.4495A>C on transcript NM_198578.4 (MANE Select); coding-DNA position 4495, A replaced by C.
Protein change: p.Lys1499Gln; replaces lysine 1499 with glutamine.
Molecular consequence: missense variant.
Genome position (GRCh38, 1-based): chr12:40,310,608, A>C. VCF-style: chr12-40310608-A-C. GRCh37 (hg19) VCF-style: chr12-40704410-A-C.
Other names: short protein forms K1499Q.
Identifiers: ClinVar variation 3229657 (VCV003229657.1), dbSNP rs2499828299, ClinGen allele CA384418626.
Genomic context (GRCh38, chr12:40,310,608, plus strand): 5'-TTCCCTGCCATACGAGATTACCACTTTGTGAATGCCACCGAGGAATCTGATGCTTTGGCA[A>C]AACTTCGGAAAACCATCATAAACGAGAGCCTTAATTTCAAGGTAACATGGTAGGCTGGTA-3'
Protein context (NP_940980.4, residues 1489-1509): NATEESDALA[Lys1499Gln]LRKTIINESL